The following is an entry in ClinVar:

ClinVar aggregate classification (germline): Uncertain significance (1 of 4 stars; one submission).

Allele frequency attached by ClinVar (database versions not stated): gnomAD exomes below 0.00001.
gnomAD v4.1: 1 of 1,613,330 alleles (0.000062%); highest among the groups gnomAD compares: South Asian, 0.0011%; no homozygotes.

Submission:

Labcorp Genetics (formerly Invitae), Labcorp
Classification: Uncertain significance. Last evaluated: 2023-11-13. Review status: criteria provided, single submitter. Criteria: Invitae Variant Classification Sherloc (09022015). Collection method: clinical testing. Allele origin: germline.
Comment: This sequence change replaces asparagine, which is neutral and polar, with lysine, which is basic and polar, at codon 650 of the CLCN6 protein (p.Asn650Lys). This variant is not present in population databases (gnomAD no frequency). This variant has not been reported in the literature in individuals affected with CLCN6-related conditions. An algorithm developed to predict the effect of missense changes on protein structure and function (PolyPhen-2) suggests that this variant is likely to be disruptive. In summary, the available evidence is currently insufficient to determine the role of this variant in disease. Therefore, it has been classified as a Variant of Uncertain Significance.

NM_001286.5(CLCN6):c.1950C>G (p.Asn650Lys)

Gene: CLCN6 (chloride voltage-gated channel 6; plus strand). Cytogenetic location: 1p36.22.
Variant type: single nucleotide variant.
Coding change: c.1950C>G on transcript NM_001286.5 (MANE Select); coding-DNA position 1950, C replaced by G.
Protein change: p.Asn650Lys; replaces asparagine 650 with lysine.
Molecular consequence: missense variant. On other transcripts: non-coding transcript variant (1).
Genome position (GRCh38, 1-based): chr1:11,836,123, C>G. VCF-style: chr1-11836123-C-G. GRCh37 (hg19) VCF-style: chr1-11896180-C-G.
Other names: c.1884C>G, p.Asn628Lys (NM_001256959.2); short protein forms N628K, N650K.
Identifiers: ClinVar variation 3006959 (VCV003006959.3), dbSNP rs2523165404, ClinGen allele CA338438806.